The following is an entry in ClinVar:

NM_000135.4(FANCA):c.1081A>G (p.Arg361Gly)

Gene: FANCA (FA complementation group A; minus strand). Cytogenetic location: 16q24.3.
Variant type: single nucleotide variant.
Coding change: c.1081A>G on transcript NM_000135.4 (MANE Select); coding-DNA position 1081, A replaced by G.
Protein change: p.Arg361Gly; replaces arginine 361 with glycine.
Molecular consequence: missense variant.
Genome position (GRCh38, 1-based): chr16:89,792,473, T>C on the plus strand (A>G on the coding strand, the complement: FANCA is on the minus strand). VCF-style: chr16-89792473-T-C. GRCh37 (hg19) VCF-style: chr16-89858881-T-C.
Other names: c.1081A>G, p.Arg361Gly (NM_001286167.3); short protein forms R361G.
Identifiers: ClinVar variation 2573117 (VCV002573117.2), dbSNP rs1598153561, ClinGen allele CA397466567.

ClinVar aggregate classification (germline): Uncertain significance. Review status: criteria provided, multiple submitters, no conflicts (2 of 4 stars). 2 submissions from 2 submitters: Uncertain significance (2). Last evaluated 2024-12-01.

Conditions:
Diffuse pediatric-type high-grade glioma, H3-wildtype and IDH-wildtype. Identifiers: MedGen C5669918, MONDO:0858939.
Inborn genetic diseases. Identifiers: MedGen C0950123, MeSH D030342.

Allele frequency attached by ClinVar (database versions not stated): TOPMed below 0.00001.

Submissions (2):

Ambry Genetics
Classification: Uncertain significance for Inborn genetic diseases. Last evaluated: 2024-12-01. Review status: criteria provided, single submitter. Criteria: Ambry Variant Classification Scheme 2023. Collection method: clinical testing. Allele origin: germline.
Comment: The p.R361G variant (also known as c.1081A>G), located in coding exon 12 of the FANCA gene, results from an A to G substitution at nucleotide position 1081. The arginine at codon 361 is replaced by glycine, an amino acid with dissimilar properties. This amino acid position is conserved. In addition, this alteration is predicted to be tolerated by in silico analysis. Based on the available evidence, the clinical significance of this variant remains unclear.

Laboratory of Medical Genetics Unit, Bambino Gesù Children's Hospital
Classification: Uncertain significance for Diffuse pediatric-type high-grade glioma, H3-wildtype and IDH-wildtype. Last evaluated: 2019-03-27. Review status: criteria provided, single submitter. Criteria: ACMG Guidelines, 2015. Collection method: research. Allele origin: paternal. Affected: yes. Observed: 1 heterozygote.